The following is an entry in ClinVar:

ClinVar aggregate classification (germline): Uncertain significance (0 of 4 stars; one submission).

Allele frequency attached by ClinVar (database versions not stated): gnomAD exomes below 0.00001.

Submission:

Martin Pollak Laboratory,  Beth Israel Deaconess Medical Center
Classification: Uncertain significance. Review status: no assertion criteria provided. Collection method: not provided. Allele origin: unknown.
Comment: Lower UCa2+ group
ClinVar note: Converted during submission from unknown to Uncertain significance.

NM_148960.3(CLDN19):c.301G>A (p.Gly101Ser)

Gene: CLDN19 (claudin 19; minus strand). Cytogenetic location: 1p34.2.
Variant type: single nucleotide variant.
Coding change: c.301G>A on transcript NM_148960.3 (MANE Select); coding-DNA position 301, G replaced by A.
Protein change: p.Gly101Ser; replaces glycine 101 with serine.
Molecular consequence: missense variant.
Genome position (GRCh38, 1-based): chr1:42,738,508, C>T on the plus strand (G>A on the coding strand, the complement: CLDN19 is on the minus strand). VCF-style: chr1-42738508-C-T. GRCh37 (hg19) VCF-style: chr1-43204179-C-T.
Other names: c.301G>A, p.Gly101Ser (NM_001123395.2, NM_001185117.2); short protein forms G101S.
Identifiers: ClinVar variation 64481 (VCV000064481.2), dbSNP rs387907419, ClinGen allele CA216239.